The following is an entry in ClinVar:

NM_020247.5(COQ8A):c.1081-1_1082dup

Gene: COQ8A (coenzyme Q8A; plus strand). Cytogenetic location: 1q42.13.
Variant type: Duplication.
Coding change: c.1081-1_1082dup on transcript NM_020247.5 (MANE Select); the canonical splice acceptor site of the intron before coding-DNA position 1081 through coding-DNA position 1082, 3 bases duplicated (GTA; older notation c.1081-1_1082dupGTA).
Molecular consequence: splice acceptor variant.
Genome position (GRCh38, 1-based): chr1:226,983,551-226,983,553, GTA duplicated; duplicating any 3 consecutive bases within chr1:226,983,550-226,983,553 gives the same sequence; the c. name uses the placement nearest the transcript's 3' end. VCF-style (leftmost placement, unchanged base first): chr1-226983549-C-CAGT. GRCh37 (hg19) VCF-style: chr1-227171250-C-CAGT.
Other names: c.1081-1_1082dupGTA (NM_020247.4).
Identifiers: ClinVar variation 375333 (VCV000375333.10), dbSNP rs1057519344, ClinGen allele CA16044182.

ClinVar aggregate classification (germline): Conflicting classifications of pathogenicity. Review status: criteria provided, conflicting classifications (1 of 4 stars). 4 submissions from 4 submitters: Pathogenic (1); Likely pathogenic (1); Uncertain significance (1). 1 of the submissions does not count toward it. Last evaluated 2026-01-16.

Conditions:
Autosomal recessive ataxia due to ubiquinone deficiency. Also called: SPINOCEREBELLAR ATAXIA, AUTOSOMAL RECESSIVE 9; Coenzyme Q10 deficiency, primary, 4. Identifiers: Orphanet 139485, MedGen C2677589, MONDO:0012784, OMIM 612016.

Submissions (4):

Dasa
Classification: Pathogenic. Last evaluated: 2026-01-16. Review status: criteria provided, single submitter. Criteria: DASA Assertion Criteria. Collection method: clinical testing. Allele origin: germline.
Comment: NM_020247.5(COQ8A):c.1081-1_1082dup (p.Tyr361Ter) is a splice-region variant predicted to affect normal RNA splicing. Loss of function is an established disease mechanism for COQ8A-associated disorders. This variant has been recurrently observed in individuals with COQ8A-related disorders (PMID: 24164873; PMID: 32337771). Also, this variant is rare in population databases. Based on the currently available evidence, this variant is classified as pathogenic.

Women's Health and Genetics/Laboratory Corporation of America, LabCorp
Classification: Likely pathogenic for Autosomal recessive ataxia due to ubiquinone deficiency. Last evaluated: 2023-03-28. Review status: criteria provided, single submitter. Criteria: LabCorp Variant Classification Summary - May 2015. Collection method: clinical testing. Allele origin: germline.
Comment: Variant summary: CABC1 (COQ8A) c.1081-1_1082dupGTA is located in a canonical splice-site. The frequency of this variant in the general population could not be determined (not present in gnomAD). c.1081-1_1082dupGTA, reported to create an in-frame stop codon (p.Gln360_Tyr361ins*), has been documented in the literature in individuals affected with Autosomal Recessive Ataxia Due To Ubiquinone Deficiency (Mignot_2013, Traschutz_2020). These data indicate that the variant is likely to be associated with disease. To our knowledge, no experimental evidence demonstrating an impact on protein function has been reported. One clinical diagnostic laboratory has submitted clinical-significance assessments for this variant to ClinVar after 2014 and classified the variant as uncertain significance. Based on the evidence outlined above, the variant was classified as likely pathogenic.

Labcorp Genetics (formerly Invitae), Labcorp
Classification: Uncertain significance. Last evaluated: 2022-05-25. Review status: criteria provided, single submitter. Criteria: Invitae Variant Classification Sherloc (09022015). Collection method: clinical testing. Allele origin: germline.
Comment: In summary, the available evidence is currently insufficient to determine the role of this variant in disease. Therefore, it has been classified as a Variant of Uncertain Significance. Variants that disrupt the consensus splice site are a relatively common cause of aberrant splicing (PMID: 17576681, 9536098). Algorithms developed to predict the effect of sequence changes on RNA splicing suggest that this variant may create or strengthen a splice site. ClinVar contains an entry for this variant (Variation ID: 375333). This variant is also known as p.Gln360_Tyr361ins*. This variant has been observed in individual(s) with clinical features of COQ8A-related conditions (PMID: 24164873). This variant is not present in population databases (gnomAD no frequency). This sequence change falls in intron 9 of the COQ8A gene. It does not directly change the encoded amino acid sequence of the COQ8A protein. It affects a nucleotide within the consensus splice site.

GeneReviews
No classification provided. Condition: Autosomal recessive ataxia due to ubiquinone deficiency. Review status: no classification provided. Collection method: literature only. Allele origin: germline. Not counted in ClinVar's aggregate classification.

Literature cited by the submitters: PubMed 24164873 (cited by 4 submitters); PubMed 32337771 (cited by Dasa and Women's Health and Genetics/Laboratory Corporation of America, LabCorp); PubMed 17576681 (cited by Labcorp Genetics (formerly Invitae), Labcorp); PubMed 9536098 (cited by Labcorp Genetics (formerly Invitae), Labcorp); NCBI Bookshelf NBK410087 (cited by GeneReviews).